The following is an entry in ClinVar:

NM_001371928.1(AHDC1):c.492G>A (p.Gln164=)

Gene: AHDC1 (AT-hook DNA binding motif containing 1; minus strand). Cytogenetic location: 1p36.11.
Variant type: single nucleotide variant.
Coding change: c.492G>A on transcript NM_001371928.1 (MANE Select); coding-DNA position 492, G replaced by A.
Protein change: p.Gln164=; no amino-acid change (glutamine 164 retained).
Molecular consequence: synonymous variant.
Genome position (GRCh38, 1-based): chr1:27,551,624, C>T on the plus strand (G>A on the coding strand, the complement: AHDC1 is on the minus strand). VCF-style: chr1-27551624-C-T. GRCh37 (hg19) VCF-style: chr1-27878135-C-T.
Other names: c.492G>A, p.Gln164= (NM_001029882.3).
Identifiers: ClinVar variation 3047257 (VCV003047257.2), dbSNP rs1421001306, ClinGen allele CA416980290.
Genomic context (GRCh38, chr1:27,551,624, plus strand): 5'-GGCCCGCTCCTCAGGGCTACGGATGCTGTTGGCCAAACTGGGTGAGGAGAAGAAGCTGTA[C>T]TGTAGGTCGCCGGGTGGCGGTGCAGGCGGGCGGCTCAGTCGGAGCCCACCACAGTCCAGG-3'
Protein context (NP_001358857.1, residues 154-174): RPPAPPPGDL[Gln164=]YSFFSSPSLA

ClinVar aggregate classification (germline): Likely benign (0 of 4 stars; one submission).

Conditions:
AHDC1-related disorder. Also called: AHDC1-related condition.

gnomAD v4.1: 4 of 1,613,512 alleles (0.00025%); highest among the groups gnomAD compares: Non-Finnish European, 0.00034%; no homozygotes.

Submission:

PreventionGenetics, part of Exact Sciences
Classification: Likely benign for AHDC1-related condition. Last evaluated: 2022-09-14. Review status: no assertion criteria provided. Collection method: clinical testing. Allele origin: germline.
Comment: This variant is classified as likely benign based on ACMG/AMP sequence variant interpretation guidelines (Richards et al. 2015 PMID: 25741868, with internal and published modifications).